The following is an entry in ClinVar:

NM_007294.4(BRCA1):c.5438A>T (p.Asp1813Val)

Gene: BRCA1 (BRCA1 DNA repair associated; minus strand). Cytogenetic location: 17q21.31.
Variant type: single nucleotide variant.
Coding change: c.5438A>T on transcript NM_007294.4 (MANE Select); coding-DNA position 5438, A replaced by T.
Protein change: p.Asp1813Val; replaces aspartic acid 1813 with valine.
Molecular consequence: missense variant. On other transcripts: non-coding transcript variant (1).
Genome position (GRCh38, 1-based): chr17:43,047,672, T>A on the plus strand (A>T on the coding strand, the complement: BRCA1 is on the minus strand). VCF-style: chr17-43047672-T-A. GRCh37 (hg19) VCF-style: chr17-41199689-T-A.
Other names: c.5105A>T, p.Asp1702Val (NM_001407947.1, NM_001407948.1, NM_001407949.1 and 1 more transcripts); c.5102A>T, p.Asp1701Val (NM_001407950.1, NM_001407951.1, NM_001407952.1 and 3 more transcripts); c.5054A>T, p.Asp1685Val (NM_001407962.1, NM_001407960.1); c.5051A>T, p.Asp1684Val (NM_001407963.1); c.4976A>T, p.Asp1659Val (NM_001407964.1); c.4931A>T, p.Asp1644Val (NM_001407965.1); c.4550A>T, p.Asp1517Val (NM_001407966.1); c.4547A>T, p.Asp1516Val (NM_001407967.1); and 83 more; short protein forms D1813V, R684S, D709V, D1834V, D1766V, D1516V, D1659V, D1684V.
Identifiers: ClinVar variation 489733 (VCV000489733.17), dbSNP rs1555574715, ClinGen allele CA10590544.
Genomic context (GRCh38, chr17:43,047,672, plus strand): 5'-CATATAGCACAGGTACATGCAGGCACCTTACCATGGAAGCCATTGTCCTCTGTCCAGGCA[T>A]CTGGCTGCACAACCACAATTGGGTGGACACCCTGGATCCCCAGGAAGGAAAGAGCATTCA-3'
Protein context (NP_009225.1, residues 1803-1823): GVHPIVVVQP[Asp1813Val]AWTEDNGFHA

ClinVar aggregate classification (germline): Uncertain significance. Review status: criteria provided, multiple submitters, no conflicts (2 of 4 stars). 2 submissions from 2 submitters: Uncertain significance (2). Last evaluated 2019-07-01.

Conditions:
Hereditary breast ovarian cancer syndrome. Also called: Breast and ovarian cancer; Hereditary breast and/or ovarian cancer syndrome; BRCA1- and BRCA2-Associated Hereditary Breast and Ovarian Cancer; Hereditary breast and ovarian cancer syndrome; Hereditary breast and ovarian cancer syndrome (HBOC); Hereditary breast and ovarian cancer. Identifiers: Orphanet 145, MedGen C0677776, MeSH D061325, MONDO:0003582. Disease mechanism: loss of function.
Hereditary cancer-predisposing syndrome. Also called: Tumor predisposition; Hereditary Cancer Syndrome; Hereditary neoplastic syndrome; Neoplastic Syndromes, Hereditary. Identifiers: Orphanet 140162, MedGen C0027672, MeSH D009386, MONDO:0015356.

Submissions (3):

Labcorp Genetics (formerly Invitae), Labcorp
Classification: Uncertain significance for Hereditary breast ovarian cancer syndrome. Last evaluated: 2019-07-01. Review status: criteria provided, single submitter. Criteria: Invitae Variant Classification Sherloc (09022015). Collection method: clinical testing. Allele origin: germline.
Comment: This sequence change replaces aspartic acid with valine at codon 1813 of the BRCA1 protein (p.Asp1813Val). The aspartic acid residue is moderately conserved and there is a large physicochemical difference between aspartic acid and valine. This variant is not present in population databases (ExAC no frequency). This variant has not been reported in the literature in individuals with BRCA1-related conditions. ClinVar contains an entry for this variant (Variation ID: 489733). This variant has been reported not to substantially affect BRCA1 protein function (PMID: 30209399). In summary, the available evidence is currently insufficient to determine the role of this variant in disease. Therefore, it has been classified as a Variant of Uncertain Significance.

Color Diagnostics, LLC DBA Color Health
Classification: Uncertain significance for Hereditary cancer-predisposing syndrome. Last evaluated: 2019-05-15. Review status: criteria provided, single submitter. Criteria: ACMG Guidelines, 2015. Collection method: clinical testing. Allele origin: germline.

Brotman Baty Institute, University of Washington
No classification provided (evidence only). Condition: Breast-ovarian cancer, familial 1. Review status: no classification provided. Collection method: in vitro. Allele origin: not applicable. Functional consequence: functionally_normal. Not counted in ClinVar's aggregate classification.
ClinVar note: "not provided" was previously submitted as the classification for the variant. However, the classification appeared to be based only on an observation of functional data so it was converted to no classification on 2025-07-30.

Literature cited by the submitters: PubMed 30209399 (cited by Labcorp Genetics (formerly Invitae), Labcorp).